The following is an entry in ClinVar:

ClinVar aggregate classification (germline): Uncertain significance. Review status: criteria provided, multiple submitters, no conflicts (2 of 4 stars). 2 submissions from 2 submitters: Uncertain significance (2). Last evaluated 2025-08-01.

Allele frequency attached by ClinVar (database versions not stated): ExAC 0.00001; TOPMed 0.00002.
gnomAD v4.1: 9 of 1,613,014 alleles (0.00056%); highest among the groups gnomAD compares: Non-Finnish European, 0.00076%; no homozygotes.

Submissions (2):

Labcorp Genetics (formerly Invitae), Labcorp
Classification: Uncertain significance. Last evaluated: 2025-08-01. Review status: criteria provided, single submitter. Criteria: Invitae Variant Classification Sherloc (09022015). Collection method: clinical testing. Allele origin: germline.
Comment: This sequence change replaces valine, which is neutral and non-polar, with glutamic acid, which is acidic and polar, at codon 651 of the MICAL1 protein (p.Val651Glu). This variant is present in population databases (rs748012645, gnomAD 0.0009%). This variant has not been reported in the literature in individuals affected with MICAL1-related conditions. ClinVar contains an entry for this variant (Variation ID: 2995263). An algorithm developed to predict the effect of missense changes on protein structure and function (PolyPhen-2) suggests that this variant is likely to be disruptive. In summary, the available evidence is currently insufficient to determine the role of this variant in disease. Therefore, it has been classified as a Variant of Uncertain Significance.

Ambry Genetics
Classification: Uncertain significance. Last evaluated: 2023-12-15. Review status: criteria provided, single submitter. Criteria: Ambry Variant Classification Scheme 2023. Collection method: clinical testing. Allele origin: germline.

NM_022765.4(MICAL1):c.1895T>A (p.Val632Glu)

Gene: MICAL1 (microtubule associated monooxygenase, calponin and LIM domain containing 1; minus strand). Cytogenetic location: 6q21.
Variant type: single nucleotide variant.
Coding change: c.1895T>A on transcript NM_022765.4 (MANE Select); coding-DNA position 1895, T replaced by A.
Protein change: p.Val632Glu; replaces valine 632 with glutamic acid.
Molecular consequence: missense variant.
Genome position (GRCh38, 1-based): chr6:109,447,924, A>T on the plus strand (T>A on the coding strand, the complement: MICAL1 is on the minus strand). VCF-style: chr6-109447924-A-T. GRCh37 (hg19) VCF-style: chr6-109769127-A-T.
Other names: c.1895T>A (NM_022765.3); c.1637T>A, p.Val546Glu (NM_001159291.2); c.1952T>A, p.Val651Glu (NM_001286613.2); short protein forms V651E, V632E, V546E.
Identifiers: ClinVar variation 2995263 (VCV002995263.4), dbSNP rs748012645, ClinGen allele CA3953173.
Genomic context (GRCh38, chr6:109,447,924, plus strand): 5'-AAACTCTCCACCTTGGCCCGGGATCGCTGCAGGGTCCTCTGAAGTTTACTAAGGAATAAT[A>T]CAGCACTGGAGGTCCCTGGGGAGGCCTGGCTGACAGGGCCTGCGGGGAGAGCCAGGGCAT-3'
Protein context (NP_073602.3, residues 622-642): SQASPGTSSA[Val632Glu]LFLSKLQRTL